The following is an entry in ClinVar:

NC_000002.11:g.(?_48010373)_(48032186_?)del

Gene: MSH6 (mutS homolog 6; plus strand). Cytogenetic location: 2p16.3.
Variant type: Deletion.
Identifiers: ClinVar variation 3247072 (VCV003247072.1).

ClinVar aggregate classification (germline): Pathogenic (1 of 4 stars; one submission).

Conditions:
Hereditary nonpolyposis colorectal neoplasms. Identifiers: MedGen C0009405, MeSH D003123.

Submission:

Labcorp Genetics (formerly Invitae), Labcorp
Classification: Pathogenic for Hereditary nonpolyposis colorectal neoplasms. Last evaluated: 2023-12-28. Review status: criteria provided, single submitter. Criteria: Invitae Variant Classification Sherloc (09022015). Collection method: clinical testing. Allele origin: unknown.
Comment: This variant is a gross deletion of the genomic region encompassing exon(s) 1-6 of the MSH6 gene, which includes the initiator codon. This deletion extends beyond the assayed region for this gene and therefore may encompass additional genes. It is expected to result in an absent or disrupted protein product. Loss-of-function variants in MSH6 are known to be pathogenic (PMID: 18269114, 24362816). This variant has not been reported in the literature in individuals affected with MSH6-related conditions. For these reasons, this variant has been classified as Pathogenic.

Literature cited by the submitters: PubMed 18269114; PubMed 24362816.